The following is an entry in ClinVar:

NM_007294.4(BRCA1):c.5451G>T (p.Glu1817Asp)

Gene: BRCA1 (BRCA1 DNA repair associated; minus strand). Cytogenetic location: 17q21.31.
Variant type: single nucleotide variant.
Coding change: c.5451G>T on transcript NM_007294.4 (MANE Select); coding-DNA position 5451, G replaced by T.
Protein change: p.Glu1817Asp; replaces glutamic acid 1817 with aspartic acid.
Molecular consequence: missense variant. On other transcripts: nonsense (17), non-coding transcript variant (1).
Genome position (GRCh38, 1-based): chr17:43,047,659, C>A on the plus strand (G>T on the coding strand, the complement: BRCA1 is on the minus strand). VCF-style: chr17-43047659-C-A. GRCh37 (hg19) VCF-style: chr17-41199676-C-A.
Other names: c.2142G>T, p.Glu714Asp (NM_001407977.1, NM_001407973.1, NM_001407974.1 and 3 more transcripts); c.2139G>T, p.Glu713Asp (NM_001407991.1, NM_001407992.1, NM_001407993.1 and 11 more transcripts); c.2136G>T, p.Glu712Asp (NM_001408392.1, NM_001408396.1, NM_001408397.1 and 7 more transcripts); c.2061G>T, p.Glu687Asp (NM_001408412.1, NM_001408413.1, NM_001408414.1 and 2 more transcripts); c.2025G>T, p.Glu675Asp (NM_001408418.1, NM_001408419.1, NM_001408420.1); c.2022G>T, p.Glu674Asp (NM_001408421.1, NM_001408422.1, NM_001408423.1 and 1 more transcripts); c.2016G>T, p.Glu672Asp (NM_001408432.1, NM_001408433.1, NM_001408434.1 and 10 more transcripts); c.2001G>T, p.Glu667Asp (NM_001408452.1, NM_001408453.1, NM_001408454.1 and 3 more transcripts); and 83 more; short protein forms E1838D, E1770D, E1817D, E713D, G689*, E1688D, E1749D, E1750D.
Identifiers: ClinVar variation 865531 (VCV000865531.3), dbSNP rs1057523707, ClinGen allele CA10590489.

Conditions:
Breast-ovarian cancer, familial, susceptibility to, 1 (BROVCA1). Also called: BRCA1 Hereditary Breast and Ovarian Cancer; OVARIAN CANCER, SUSCEPTIBILITY TO. Identifiers: Orphanet 145, MedGen C2676676, MONDO:0011450, OMIM 604370. Disease mechanism: loss of function.

Submission:

Brotman Baty Institute, University of Washington
No classification provided (evidence only). Condition: Breast-ovarian cancer, familial 1. Review status: no classification provided. Collection method: in vitro. Allele origin: not applicable. Functional consequence: functionally_normal.
ClinVar note: "not provided" was previously submitted as the classification for the variant. However, the classification appeared to be based only on an observation of functional data so it was converted to no classification on 2025-07-30.